The following is an entry in ClinVar:

NM_018941.4(CLN8):c.43del (p.Asp15fs)

Gene: CLN8 (CLN8 transmembrane ER and ERGIC protein; plus strand). Cytogenetic location: 8p23.3.
Variant type: Deletion.
Coding change: c.43del on transcript NM_018941.4 (MANE Select); coding-DNA position 43, one base deleted (G; older notation c.43delG).
Protein change: p.Asp15fs; shifts the reading frame from aspartic acid 15.
Molecular consequence: frameshift variant.
Genome position (GRCh38, 1-based): chr8:1,771,097, G deleted. VCF-style (leftmost placement, unchanged base first): chr8-1771096-TG-T. GRCh37 (hg19) VCF-style: chr8-1719262-TG-T.
Other names: short protein forms D15fs.
Identifiers: ClinVar variation 2503808 (VCV002503808.1), dbSNP rs2486436785, ClinGen allele CA2580614301.

ClinVar aggregate classification (germline): Likely pathogenic (1 of 4 stars; one submission).

Conditions:
Neuronal ceroid lipofuscinosis. Also called: Neuronal Ceroid Lipofuscinoses. Identifiers: Orphanet 216, Orphanet 79263, MedGen C0027877, MONDO:0016295. Disease mechanism: loss of function.

Submission:

Women's Health and Genetics/Laboratory Corporation of America, LabCorp
Classification: Likely pathogenic for Neuronal ceroid lipofuscinosis. Last evaluated: 2023-04-17. Review status: criteria provided, single submitter. Criteria: LabCorp Variant Classification Summary - May 2015. Collection method: clinical testing. Allele origin: germline.
Comment: Variant summary: CLN8 c.43delG (p.Asp15ThrfsX13) results in a premature termination codon, predicted to cause a truncation of the encoded protein or absence of the protein due to nonsense mediated decay, which are commonly known mechanisms for disease. The variant was absent in 251492 control chromosomes. To our knowledge, no occurrence of c.43delG in individuals affected with Neuronal Ceroid-Lipofuscinosis (Batten Disease) and no experimental evidence demonstrating its impact on protein function have been reported. No clinical diagnostic laboratories have submitted clinical-significance assessments for this variant to ClinVar after 2014. Based on the evidence outlined above, the variant was classified as likely pathogenic.